The following is an entry in ClinVar:

NM_001080449.3(DNA2):c.3099A>G (p.Leu1033=)

Gene: DNA2 (DNA replication helicase/nuclease 2; minus strand). Cytogenetic location: 10q21.3.
Variant type: single nucleotide variant.
Coding change: c.3099A>G on transcript NM_001080449.3 (MANE Select); coding-DNA position 3099, A replaced by G.
Protein change: p.Leu1033=; no amino-acid change (leucine 1033 retained).
Molecular consequence: synonymous variant. On other transcripts: non-coding transcript variant (1).
Genome position (GRCh38, 1-based): chr10:68,416,724, T>C on the plus strand (A>G on the coding strand, the complement: DNA2 is on the minus strand). VCF-style: chr10-68416724-T-C. GRCh37 (hg19) VCF-style: chr10-70176481-T-C.
Identifiers: ClinVar variation 1879133 (VCV001879133.29), dbSNP rs2493888961, ClinGen allele CA469800504.
Genomic context (GRCh38, chr10:68,416,724, plus strand): 5'-CAACAGTGCAATCAAATGTGACCATATACAGAAGAAAAAGGATATTAATTTTTCTGAGTT[T>C]AAATGATTAAGCAGCTTCTCCAAAGGAGGATAGCAATTTAGTGAGGGCACACACCCCAGA-3'
Protein context (NP_001073918.2, residues 1023-1043): YPPLEKLLNH[Leu1033=]NSEKLIIDLP

ClinVar aggregate classification (germline): Likely benign (1 of 4 stars; one submission).

Submission:

CeGaT Center for Human Genetics Tuebingen
Classification: Likely benign. Last evaluated: 2022-11-01. Review status: criteria provided, single submitter. Criteria: CeGaT Center For Human Genetics Tuebingen Variant Classification Criteria Version 2. Collection method: clinical testing. Allele origin: germline. Affected: yes. Observed: 1 variant allele.
Comment: DNA2: PM2:Supporting, BP4, BP7